The following is an entry in ClinVar:

NM_001354435.2(C4orf54):c.4244T>C (p.Phe1415Ser)

Gene: C4orf54 (chromosome 4 open reading frame 54; minus strand). Cytogenetic location: 4q23.
Variant type: single nucleotide variant.
Coding change: c.4244T>C on transcript NM_001354435.2 (MANE Select); coding-DNA position 4244, T replaced by C.
Protein change: p.Phe1415Ser; replaces phenylalanine 1415 with serine.
Molecular consequence: missense variant.
Genome position (GRCh38, 1-based): chr4:99,650,405, A>G on the plus strand (T>C on the coding strand, the complement: C4orf54 is on the minus strand). VCF-style: chr4-99650405-A-G. GRCh37 (hg19) VCF-style: chr4-100571562-A-G.
Other names: short protein forms F1415S.
Identifiers: ClinVar variation 2654970 (VCV002654970.24), dbSNP rs555103041, ClinGen allele CA3022526.

ClinVar aggregate classification (germline): Likely benign (1 of 4 stars; one submission).

Allele frequency attached by ClinVar (database versions not stated): 1000 Genomes Project 30x 0.00016; ExAC 0.00049; TOPMed 0.00106; gnomAD 0.00153; gnomAD exomes 0.00155.
gnomAD v4.1: 2,352 of 1,536,046 alleles (0.15%); highest among the groups gnomAD compares: Non-Finnish European, 0.17%; 1 homozygote.

Submission:

CeGaT Center for Human Genetics Tuebingen
Classification: Likely benign. Last evaluated: 2022-08-01. Review status: criteria provided, single submitter. Criteria: CeGaT Center For Human Genetics Tuebingen Variant Classification Criteria Version 2. Collection method: clinical testing. Allele origin: germline. Affected: yes. Observed: 1 variant allele.
Comment: C4orf54: BP4, BS1